The following is an entry in ClinVar:

NM_016263.4(FZR1):c.388-5C>T

Gene: FZR1 (fizzy and cell division cycle 20 related 1; plus strand). Cytogenetic location: 19p13.3.
Variant type: single nucleotide variant.
Coding change: c.388-5C>T on transcript NM_016263.4 (MANE Select); 5 bases into the intron before coding-DNA position 388, C replaced by T.
Molecular consequence: intron variant.
Genome position (GRCh38, 1-based): chr19:3,526,975, C>T. VCF-style: chr19-3526975-C-T. GRCh37 (hg19) VCF-style: chr19-3526973-C-T.
Other names: c.388-5C>T (NM_001136198.1); c.387+589C>T (NM_001136197.1).
Identifiers: ClinVar variation 4874410 (VCV004874410.2).

ClinVar aggregate classification (germline): Likely benign (1 of 4 stars; one submission).

gnomAD v4.1: 20 of 1,607,826 alleles (0.0012%); highest among the groups gnomAD compares: Admixed American, 0.033%; no homozygotes.

Submission:

CeGaT Center for Human Genetics Tuebingen
Classification: Likely benign. Last evaluated: 2026-06-01. Review status: criteria provided, single submitter. Criteria: CeGaT Center For Human Genetics Tuebingen Variant Classification Criteria Version 2. Collection method: clinical testing. Allele origin: germline. Affected: yes. Observed: 1 variant allele.
Comment: FZR1: BP4